The following is an entry in ClinVar:

NM_014003.4(DHX38):c.889C>T (p.Arg297Cys)

Gene: DHX38 (DEAH-box helicase 38; plus strand). Cytogenetic location: 16q22.2.
Variant type: single nucleotide variant.
Coding change: c.889C>T on transcript NM_014003.4 (MANE Select); coding-DNA position 889, C replaced by T.
Protein change: p.Arg297Cys; replaces arginine 297 with cysteine.
Molecular consequence: missense variant.
Genome position (GRCh38, 1-based): chr16:72,099,209, C>T. VCF-style: chr16-72099209-C-T. GRCh37 (hg19) VCF-style: chr16-72133108-C-T.
Other names: c.889C>T (NM_014003.3); short protein forms R297C.
Identifiers: ClinVar variation 998968 (VCV000998968.8), dbSNP rs763560423, ClinGen allele CA8160125.

ClinVar aggregate classification (germline): Uncertain significance. Review status: criteria provided, multiple submitters, no conflicts (2 of 4 stars). 2 submissions from 2 submitters: Uncertain significance (2). Last evaluated 2024-01-22.

Conditions:
Retinitis pigmentosa 84 (RP84). Identifiers: MedGen C4748725, MONDO:0032604, OMIM 618220.

Allele frequency attached by ClinVar (database versions not stated): TOPMed below 0.00001; gnomAD exomes 0.00001 and 0.00002; ExAC 0.00003.
gnomAD v4.1: 11 of 1,610,498 alleles (0.00068%); highest among the groups gnomAD compares: Middle Eastern, 0.019%; no homozygotes.

Submissions (2):

Blueprint Genetics
Classification: Uncertain significance. Last evaluated: 2024-01-22. Review status: criteria provided, single submitter. Criteria: ACMG Guidelines, 2015. Collection method: clinical testing. Allele origin: germline.

Labcorp Genetics (formerly Invitae), Labcorp
Classification: Uncertain significance. Last evaluated: 2022-08-22. Review status: criteria provided, single submitter. Criteria: Invitae Variant Classification Sherloc (09022015). Collection method: clinical testing. Allele origin: germline.
Comment: In summary, the available evidence is currently insufficient to determine the role of this variant in disease. Therefore, it has been classified as a Variant of Uncertain Significance. Algorithms developed to predict the effect of missense changes on protein structure and function are either unavailable or do not agree on the potential impact of this missense change (SIFT: "Deleterious"; PolyPhen-2: "Benign"; Align-GVGD: "Class C0"). ClinVar contains an entry for this variant (Variation ID: 998968). This variant has not been reported in the literature in individuals affected with DHX38-related conditions. This variant is present in population databases (rs763560423, gnomAD 0.004%). This sequence change replaces arginine, which is basic and polar, with cysteine, which is neutral and slightly polar, at codon 297 of the DHX38 protein (p.Arg297Cys).